The following is an entry in ClinVar:

ClinVar aggregate classification (germline): Uncertain significance. Review status: criteria provided, multiple submitters, no conflicts (2 of 4 stars). 2 submissions from 2 submitters: Uncertain significance (2). Last evaluated 2025-03-04.

Conditions:
Inborn genetic diseases. Identifiers: MedGen C0950123, MeSH D030342.

Allele frequency attached by ClinVar (database versions not stated): gnomAD exomes below 0.00001.
gnomAD v4.1: 5 of 1,612,140 alleles (0.00031%); highest among the groups gnomAD compares: South Asian, 0.0011%; no homozygotes.

Submissions (2):

Ambry Genetics
Classification: Uncertain significance for Inborn genetic diseases. Last evaluated: 2025-03-04. Review status: criteria provided, single submitter. Criteria: Ambry Variant Classification Scheme 2023. Collection method: clinical testing. Allele origin: germline.

Labcorp Genetics (formerly Invitae), Labcorp
Classification: Uncertain significance. Last evaluated: 2022-02-06. Review status: criteria provided, single submitter. Criteria: Invitae Variant Classification Sherloc (09022015). Collection method: clinical testing. Allele origin: germline.
Comment: This sequence change replaces threonine, which is neutral and polar, with alanine, which is neutral and non-polar, at codon 1430 of the USH2A protein (p.Thr1430Ala). This variant is not present in population databases (gnomAD no frequency). This variant has not been reported in the literature in individuals affected with USH2A-related conditions. Algorithms developed to predict the effect of missense changes on protein structure and function output the following: SIFT: "Tolerated"; PolyPhen-2: "Benign"; Align-GVGD: "Class C0". The alanine amino acid residue is found in multiple mammalian species, which suggests that this missense change does not adversely affect protein function. In summary, the available evidence is currently insufficient to determine the role of this variant in disease. Therefore, it has been classified as a Variant of Uncertain Significance.

NM_206933.4(USH2A):c.4288A>G (p.Thr1430Ala)

Gene: USH2A (usherin; minus strand). Cytogenetic location: 1q41.
Variant type: single nucleotide variant.
Coding change: c.4288A>G on transcript NM_206933.4 (MANE Select); coding-DNA position 4288, A replaced by G.
Protein change: p.Thr1430Ala; replaces threonine 1430 with alanine.
Molecular consequence: missense variant.
Genome position (GRCh38, 1-based): chr1:216,190,331, T>C on the plus strand (A>G on the coding strand, the complement: USH2A is on the minus strand). VCF-style: chr1-216190331-T-C. GRCh37 (hg19) VCF-style: chr1-216363673-T-C.
Other names: c.4288A>G, p.Thr1430Ala (NM_007123.6); c.4288A>G (NM_206933.2); short protein forms T1430A.
Identifiers: ClinVar variation 2149638 (VCV002149638.2), dbSNP rs2528020391, ClinGen allele CA344865473.